The following is an entry in ClinVar:

NM_002025.4(AFF2):c.2533G>A (p.Glu845Lys)

Gene: AFF2 (ALF transcription elongation factor 2; plus strand). Cytogenetic location: Xq28.
Variant type: single nucleotide variant.
Coding change: c.2533G>A on transcript NM_002025.4 (MANE Select); coding-DNA position 2533, G replaced by A.
Protein change: p.Glu845Lys; replaces glutamic acid 845 with lysine.
Molecular consequence: missense variant.
Genome position (GRCh38, 1-based): chrX:148,956,578, G>A. VCF-style: chrX-148956578-G-A. GRCh37 (hg19) VCF-style: chrX-148038108-G-A.
Other names: c.2434G>A, p.Glu812Lys (NM_001169122.2); c.2503G>A, p.Glu835Lys (NM_001169123.2); c.2428G>A, p.Glu810Lys (NM_001169124.2); c.2416G>A, p.Glu806Lys (NM_001169125.2); c.1456G>A, p.Glu486Lys (NM_001170628.1); short protein forms E486K, E806K, E810K, E812K, E835K, E845K.
Identifiers: ClinVar variation 3359433 (VCV003359433.1).

ClinVar aggregate classification (germline): Uncertain significance (1 of 4 stars; one submission).

Submission:

GeneDx
Classification: Uncertain significance. Last evaluated: 2023-06-06. Review status: criteria provided, single submitter. Criteria: GeneDx Variant Classification Process June 2021. Collection method: clinical testing. Allele origin: germline. Affected: yes.
Comment: Not observed at significant frequency in large population cohorts (gnomAD); In silico analysis supports that this missense variant has a deleterious effect on protein structure/function; Has not been previously published as pathogenic or benign to our knowledge